The following is an entry in ClinVar:

NM_001008537.3(NEXMIF):c.3932G>A (p.Arg1311Gln)

Gene: NEXMIF (neurite extension and migration factor; minus strand). Cytogenetic location: Xq13.3.
Variant type: single nucleotide variant.
Coding change: c.3932G>A on transcript NM_001008537.3 (MANE Select); coding-DNA position 3932, G replaced by A.
Protein change: p.Arg1311Gln; replaces arginine 1311 with glutamine.
Molecular consequence: missense variant.
Genome position (GRCh38, 1-based): chrX:74,740,625, C>T on the plus strand (G>A on the coding strand, the complement: NEXMIF is on the minus strand). VCF-style: chrX-74740625-C-T. GRCh37 (hg19) VCF-style: chrX-73960460-C-T.
Other names: short protein forms R1311Q.
Identifiers: ClinVar variation 1306571 (VCV001306571.4), dbSNP rs867465185, ClinGen allele CA331301702.

ClinVar aggregate classification (germline): Uncertain significance. Review status: criteria provided, multiple submitters, no conflicts (2 of 4 stars). 2 submissions from 2 submitters: Uncertain significance (2). Last evaluated 2019-06-13.

Allele frequency attached by ClinVar (database versions not stated): TOPMed below 0.00001; gnomAD exomes 0.00001.
gnomAD v4.1: 9 of 1,211,783 alleles (0.00074%); highest among the groups gnomAD compares: Middle Eastern, 0.023%; no homozygotes.

Submissions (2):

GeneDx
Classification: Uncertain significance. Last evaluated: 2019-06-13. Review status: criteria provided, single submitter. Criteria: GeneDx Variant Classification Process June 2021. Collection method: clinical testing. Allele origin: germline. Affected: yes.
Comment: Not observed at a significant frequency in large population cohorts (Lek et al., 2016); In silico analysis, which includes protein predictors and evolutionary conservation, supports that this variant does not alter protein structure/function; Has not been previously published as pathogenic or benign to our knowledge

Ambry Genetics
Classification: Uncertain significance. Last evaluated: 2018-07-23. Review status: criteria provided, single submitter. Criteria: Ambry Variant Classification Scheme 2023. Collection method: clinical testing. Allele origin: germline.
Comment: The p.R1311Q variant (also known as c.3932G>A), located in coding exon 2 of the KIAA2022 gene, results from a G to A substitution at nucleotide position 3932. The arginine at codon 1311 is replaced by glutamine, an amino acid with highly similar properties. This amino acid position is highly conserved in available vertebrate species. In addition, the in silico prediction for this alteration is inconclusive. Since supporting evidence is limited at this time, the clinical significance of this alteration remains unclear.